The following is an entry in ClinVar:

NM_001042492.3(NF1):c.6668del (p.Cys2223fs)

Gene: NF1 (neurofibromin 1; plus strand). Cytogenetic location: 17q11.2.
Variant type: Deletion.
Coding change: c.6668del on transcript NM_001042492.3 (MANE Select); coding-DNA position 6668, one base deleted (G; older notation c.6668delG).
Protein change: p.Cys2223fs; shifts the reading frame from cysteine 2223.
Molecular consequence: frameshift variant.
Genome position (GRCh38, 1-based): chr17:31,337,844, G deleted. VCF-style (leftmost placement, unchanged base first): chr17-31337843-TG-T. GRCh37 (hg19) VCF-style: chr17-29664861-TG-T.
Other names: c.6605delG (NM_000267.3); c.6605delG, p.Cys2202Serfs (NM_000267.4); short protein forms C2223fs, C2202fs.
Identifiers: ClinVar variation 1754433 (VCV001754433.4), dbSNP rs2508757047, ClinGen allele CA2580093441.

ClinVar aggregate classification (germline): Pathogenic. Review status: criteria provided, multiple submitters, no conflicts (2 of 4 stars). 2 submissions from 2 submitters: Pathogenic (2). Last evaluated 2024-09-29.

Conditions:
Cardiovascular phenotype. Identifiers: MedGen CN230736.
Hereditary cancer-predisposing syndrome. Also called: Neoplastic Syndromes, Hereditary; Tumor predisposition; Hereditary neoplastic syndrome; Hereditary Cancer Syndrome. Identifiers: Orphanet 140162, MedGen C0027672, MeSH D009386, MONDO:0015356.
Neurofibromatosis, type 1 (NF1). Also called: Peripheral type neurofibromatosis; VON RECKLINGHAUSEN DISEASE; NEUROFIBROMATOSIS, TYPE I, SOMATIC; Neurofibromatosis, type I. Identifiers: Orphanet 636, MedGen C0027831, MONDO:0018975, OMIM 162200. Disease mechanism: loss of function.

Submissions (2):

Labcorp Genetics (formerly Invitae), Labcorp
Classification: Pathogenic for Neurofibromatosis, type 1. Last evaluated: 2024-09-29. Review status: criteria provided, single submitter. Criteria: Invitae Variant Classification Sherloc (09022015). Collection method: clinical testing. Allele origin: germline.
Comment: This sequence change creates a premature translational stop signal (p.Cys2202Serfs*10) in the NF1 gene. It is expected to result in an absent or disrupted protein product. Loss-of-function variants in NF1 are known to be pathogenic (PMID: 10712197, 23913538). This variant is not present in population databases (gnomAD no frequency). This variant has not been reported in the literature in individuals affected with NF1-related conditions. ClinVar contains an entry for this variant (Variation ID: 1754433). For these reasons, this variant has been classified as Pathogenic.

Ambry Genetics
Classification: Pathogenic for Cardiovascular phenotype; Hereditary cancer-predisposing syndrome. Last evaluated: 2019-05-10. Review status: criteria provided, single submitter. Criteria: Ambry Variant Classification Scheme 2023. Collection method: clinical testing. Allele origin: germline.
Comment: The c.6605delG pathogenic mutation, located in coding exon 43 of the NF1 gene, results from a deletion of one nucleotide at nucleotide position 6605, causing a translational frameshift with a predicted alternate stop codon (p.C2202Sfs*10). This alteration is expected to result in loss of function by premature protein truncation or nonsense-mediated mRNA decay. As such, this alteration is interpreted as a disease-causing mutation.

Literature cited by the submitters: PubMed 10712197 (cited by Labcorp Genetics (formerly Invitae), Labcorp); PubMed 23913538 (cited by Labcorp Genetics (formerly Invitae), Labcorp).